The following is an entry in ClinVar:

ClinVar aggregate classification (germline): Pathogenic/Likely pathogenic. Review status: criteria provided, multiple submitters, no conflicts (2 of 4 stars). 2 submissions from 2 submitters: Pathogenic (1); Likely pathogenic (1). Last evaluated 2024-07-07.

Conditions:
PURA-related severe neonatal hypotonia-seizures-encephalopathy syndrome (NEDRIHF). Also called: NEURODEVELOPMENTAL DISORDER WITH NEONATAL RESPIRATORY INSUFFICIENCY, HYPOTONIA, AND FEEDING DIFFICULTIES; PURA-Related Neurodevelopmental Disorders. Identifiers: Orphanet 438213, Orphanet 438216, MedGen C4015357, MONDO:1060108, OMIM 616158, MONDO:0018580.

Submissions (2):

3billion
Classification: Likely pathogenic for PURA-related severe neonatal hypotonia-seizures-encephalopathy syndrome. Last evaluated: 2024-07-07. Review status: criteria provided, single submitter. Criteria: ACMG Guidelines, 2015. Collection method: clinical testing. Allele origin: germline. Affected: yes.
Comment: The variant is not observed in the gnomAD v4.0.0 dataset. Predicted Consequence/Location: Frameshift: predicted to result in a loss or disruption of normal protein function through protein truncation. Multiple pathogenic variants are reported in the predicted truncated region. The variant has been reported to be associated with PURA related disorder (ClinVar ID: VCV000818050). Therefore, this variant is classified as Likely pathogenic according to the recommendation of ACMG/AMP guideline.

GeneDx
Classification: Pathogenic. Last evaluated: 2019-03-08. Review status: criteria provided, single submitter. Criteria: GeneDx Variant Classification (06012015). Collection method: clinical testing. Allele origin: germline. Affected: yes.
Comment: The c.281delG variant in the PURA gene has not been reported previously as a pathogenic variant nor as a benign variant, to our knowledge. The c.281delG variant causes a frameshift starting with codon Glycine 94, changes this amino acid to an Alanine residue, and creates a premature Stop codon at position 131 of the new reading frame, denoted p.Gly94AlafsX131. This variant is predicted to cause loss of normal protein function either through protein truncation or nonsense-mediated mRNA decay. The c.281delG variant is not observed in large population cohorts (Lek et al., 2016). We interpret c.281delG as a pathogenic variant.

NM_005859.5(PURA):c.281del (p.Gly94fs)

Gene: PURA (purine rich element binding protein A; plus strand). Cytogenetic location: 5q31.3.
Variant type: Deletion.
Coding change: c.281del on transcript NM_005859.5 (MANE Select); coding-DNA position 281, one base deleted (G; older notation c.281delG).
Protein change: p.Gly94fs; shifts the reading frame from glycine 94.
Molecular consequence: frameshift variant.
Genome position (GRCh38, 1-based): chr5:140,114,462, G deleted; the last of 3 consecutive G bases (chr5:140,114,460-140,114,462); deleting any one gives the same sequence. VCF-style (leftmost placement, unchanged base first): chr5-140114459-CG-C. GRCh37 (hg19) VCF-style: chr5-139494044-CG-C.
Other names: short protein forms G94fs.
Identifiers: ClinVar variation 818050 (VCV000818050.2), dbSNP rs1581036262, ClinGen allele CA915942635.
Genomic context (GRCh38, chr5:140,114,459, plus strand): 5'-TCTACCTGGACGTGAAGCAGAACGCCAAGGGCCGCTTCCTGAAGATCGCCGAGGTGGGCG[CG>C]GGCGGCAACAAGAGCCGCCTTACTCTCTCCATGTCAGTGGCCGTGGAGTTCCGCGACTAC-3'